The following is an entry in ClinVar:

NM_015102.5(NPHP4):c.2032G>A (p.Ala678Thr)

Gene: NPHP4 (nephrocystin 4; minus strand). Cytogenetic location: 1p36.31.
Variant type: single nucleotide variant.
Coding change: c.2032G>A on transcript NM_015102.5 (MANE Select); coding-DNA position 2032, G replaced by A.
Protein change: p.Ala678Thr; replaces alanine 678 with threonine.
Molecular consequence: missense variant. On other transcripts: non-coding transcript variant (1).
Genome position (GRCh38, 1-based): chr1:5,904,728, C>T on the plus strand (G>A on the coding strand, the complement: NPHP4 is on the minus strand). VCF-style: chr1-5904728-C-T. GRCh37 (hg19) VCF-style: chr1-5964788-C-T.
Other names: c.493G>A, p.Ala165Thr (NM_001291593.2); c.496G>A, p.Ala166Thr (NM_001291594.2); c.2032G>A (NM_015102.3); short protein forms A678T, A165T, A166T.
Identifiers: ClinVar variation 498701 (VCV000498701.14), dbSNP rs368101076, ClinGen allele CA554296.

ClinVar aggregate classification (germline): Uncertain significance. Review status: criteria provided, multiple submitters, no conflicts (2 of 4 stars). 5 submissions from 5 submitters: Uncertain significance (5). Last evaluated 2025-10-15.

Conditions:
NPHP4-related disorder. Also called: NPHP4-related disorders; NPHP4-related condition. Identifiers: MedGen CN239384.
Inborn genetic diseases. Identifiers: MedGen C0950123, MeSH D030342.
Nephronophthisis. Also called: Juvenile Nephronophthisis. Identifiers: Orphanet 655, MedGen C0687120, MONDO:0019005, HP:0000090.
Senior-Loken syndrome 4 (SLSN4). Identifiers: Orphanet 3156, MedGen C1846979, MONDO:0011756, OMIM 606996.
Nephronophthisis 4 (NPHP4). Also called: NEPHRONOPHTHISIS 4, JUVENILE. Identifiers: Orphanet 655, MedGen C1847013, MONDO:0011752, OMIM 606966.

Allele frequency attached by ClinVar (database versions not stated): gnomAD 0.00003; gnomAD exomes 0.00004; ExAC 0.00007; TOPMed 0.00009; ESP Exome Variant Server 0.00024.
gnomAD v4.1: 31 of 1,613,856 alleles (0.0019%); highest among the groups gnomAD compares: African/African-American, 0.017%; no homozygotes.

Submissions (5):

PreventionGenetics, part of Exact Sciences
Classification: Uncertain significance for NPHP4-related condition. Last evaluated: 2025-10-15. Review status: criteria provided, single submitter. Criteria: ACMG Guidelines, 2015. Collection method: clinical testing. Allele origin: germline.
Comment: The NPHP4 c.2032G>A variant is predicted to result in the amino acid substitution p.Ala678Thr. To our knowledge, this variant has not been reported in the literature. This variant is reported in 0.017% of alleles in individuals of African descent in gnomAD. At this time, the clinical significance of this variant is uncertain due to the absence of conclusive functional and genetic evidence.

Labcorp Genetics (formerly Invitae), Labcorp
Classification: Uncertain significance for Nephronophthisis. Last evaluated: 2024-10-29. Review status: criteria provided, single submitter. Criteria: Invitae Variant Classification Sherloc (09022015). Collection method: clinical testing. Allele origin: germline.
Comment: This sequence change replaces alanine, which is neutral and non-polar, with threonine, which is neutral and polar, at codon 678 of the NPHP4 protein (p.Ala678Thr). This variant is present in population databases (rs368101076, gnomAD 0.02%). This variant has not been reported in the literature in individuals affected with NPHP4-related conditions. ClinVar contains an entry for this variant (Variation ID: 498701). Invitae Evidence Modeling of protein sequence and biophysical properties (such as structural, functional, and spatial information, amino acid conservation, physicochemical variation, residue mobility, and thermodynamic stability) indicates that this missense variant is not expected to disrupt NPHP4 protein function with a negative predictive value of 80%. In summary, the available evidence is currently insufficient to determine the role of this variant in disease. Therefore, it has been classified as a Variant of Uncertain Significance.

Ambry Genetics
Classification: Uncertain significance for Inborn genetic diseases. Last evaluated: 2024-04-15. Review status: criteria provided, single submitter. Criteria: Ambry Variant Classification Scheme 2023. Collection method: clinical testing. Allele origin: germline.

Fulgent Genetics
Classification: Uncertain significance for Nephronophthisis 4; Senior-Loken syndrome 4. Last evaluated: 2024-03-25. Review status: criteria provided, single submitter. Criteria: ACMG Guidelines, 2015. Collection method: clinical testing. Allele origin: germline.

Eurofins Ntd Llc (ga)
Classification: Uncertain significance. Last evaluated: 2016-11-16. Review status: criteria provided, single submitter. Criteria: EGL Classification Definitions 2015. Collection method: clinical testing. Allele origin: germline. Observed: 1 variant allele, 1 heterozygote.